The following is an entry in ClinVar:

NM_032043.3(BRIP1):c.1167T>C (p.Val389=)

Gene: BRIP1 (BRCA1 interacting DNA helicase 1; minus strand). Cytogenetic location: 17q23.2.
Variant type: single nucleotide variant.
Coding change: c.1167T>C on transcript NM_032043.3 (MANE Select); coding-DNA position 1167, T replaced by C.
Protein change: p.Val389=; no amino-acid change (valine 389 retained).
Molecular consequence: synonymous variant.
Genome position (GRCh38, 1-based): chr17:61,799,273, A>G on the plus strand (T>C on the coding strand, the complement: BRIP1 is on the minus strand). VCF-style: chr17-61799273-A-G. GRCh37 (hg19) VCF-style: chr17-59876634-A-G.
Identifiers: ClinVar variation 1958936 (VCV001958936.8), dbSNP rs2545139556, ClinGen allele CA501151684.

ClinVar aggregate classification (germline): Benign/Likely benign. Review status: criteria provided, multiple submitters, no conflicts (2 of 4 stars). 4 submissions from 4 submitters: Benign (1); Likely benign (3). Last evaluated 2026-04-22.

Conditions:
Hereditary cancer-predisposing syndrome. Also called: Neoplastic Syndromes, Hereditary; Tumor predisposition; Hereditary Cancer Syndrome; Hereditary neoplastic syndrome. Identifiers: Orphanet 140162, MedGen C0027672, MeSH D009386, MONDO:0015356.
Fanconi anemia complementation group J. Also called: BRIP1-Related Fanconi Anemia. Identifiers: Orphanet 84, MedGen C1836860, MONDO:0012187, OMIM 609054.
Familial cancer of breast. Also called: Hereditary breast cancer; hereditary breast carcinoma; BREAST CANCER, FAMILIAL. Identifiers: Orphanet 227535, MedGen C0346153, MONDO:0016419, OMIM 114480. Disease mechanism: loss of function.

Submissions (4):

Ambry Genetics
Classification: Likely benign for Hereditary cancer-predisposing syndrome. Last evaluated: 2026-04-22. Review status: criteria provided, single submitter. Criteria: Ambry Variant Classification Scheme 2023. Collection method: clinical testing. Allele origin: germline.

Myriad Genetics, Inc.
Classification: Benign for Familial cancer of breast. Last evaluated: 2024-08-26. Review status: criteria provided, single submitter. Criteria: Myriad Autosomal Dominant, Autosomal Recessive and X-Linked Classification Criteria (2023). Collection method: clinical testing. Allele origin: unknown.
Comment: This variant is considered benign. This variant is a silent/synonymous amino acid change and it is not expected to impact splicing.

Color Diagnostics, LLC DBA Color Health
Classification: Likely benign for Hereditary cancer-predisposing syndrome. Last evaluated: 2024-05-20. Review status: criteria provided, single submitter. Criteria: ACMG Guidelines, 2015. Collection method: clinical testing. Allele origin: germline.

Labcorp Genetics (formerly Invitae), Labcorp
Classification: Likely benign for Familial cancer of breast; Fanconi anemia complementation group J. Last evaluated: 2022-07-24. Review status: criteria provided, single submitter. Criteria: Invitae Variant Classification Sherloc (09022015). Collection method: clinical testing. Allele origin: germline.